The following continues an entry in ClinVar:

NM_000092.5(COL4A4):c.4394G>A (p.Gly1465Asp)

Gene: COL4A4. ClinVar aggregate classification (germline): Conflicting classifications of pathogenicity. Pathogenic (5); Likely pathogenic (4); Uncertain significance (8).

Submissions 11 to 19 of 19:

Molecular Genetics, Royal Melbourne Hospital
Classification: Uncertain significance for Alport syndrome. Last evaluated: 2023-03-30. Review status: criteria provided, single submitter. Criteria: ACMG Guidelines, 2015. Collection method: clinical testing. Allele origin: germline. Affected: yes.
Comment: This sequence change in COL4A4 is predicted to replace glycine with aspartic acid at codon 1465 (p.(Gly1465Asp)). The glycine residue is highly conserved (100 vertebrates, UCSC), and is located in the collagen IV NC1 domain. There is a moderate physicochemical difference between glycine and aspartic acid. The highest population minor allele frequency in gnomAD v2.1 is 0.04% (13/30,488 alleles) in the South Asian population, which is lower than the credible allele frequency for recessive Alport syndrome. This variant is almost always reported in cis with the likely pathogenic variant c.2320G>C, p.(Gly774Arg) in individuals and families with both dominant and recessive forms of Alport syndrome (PMID: 24033287, 26934356, 28632965, 29496980, 33048202, 33838161). Multiple lines of computational evidence predict a deleterious effect for the missense substitution (5/5 algorithms). Based on the classification scheme RMH Modified ACMG Guidelines v1.4.0, this variant is classified as a VARIANT OF UNCERTAIN SIGNIFICANCE. Following criteria are met: PM2_Supporting, PP3.

Mendelics
Classification: Pathogenic for Hematuria, benign familial, 1. Last evaluated: 2022-05-04. Review status: criteria provided, single submitter. Criteria: Mendelics Assertion Criteria 2019. Collection method: clinical testing. Allele origin: germline.

Victorian Clinical Genetics Services, Murdoch Childrens Research Institute
Classification: Uncertain significance for Alport syndrome. Last evaluated: 2022-03-31. Review status: criteria provided, single submitter. Criteria: ACMG Guidelines, 2015. Collection method: clinical testing. Allele origin: germline. Affected: no.
Comment: Based on the classification scheme VCGS_Germline_v1.3.4, this variant is classified as VUS-3A. Following criteria are met: 0103 - Loss of function is a known mechanism of disease for this gene and is associated with COL4A4-related nephropathy. Dominant negative is a suspected mechanism of disease for this gene as it is a structural protein (PMID: 12028435, 24046192). (I) 0108 - This gene is associated with both recessive and dominant disease. Alport syndrome typically has biallelic inheritance, although rare cases of monoallelic inheritance have been reported. TBMN and focal segmental glomerulosclerosis (FSGS) are associated with autosomal dominant inheritance (OMIM, PMID: 28704582, 16467446, 17942953). (I) 0200 - Variant is predicted to result in a missense amino acid change from glycine to aspartic acid. (I) 0251 - This variant is heterozygous. (I) 0304 - Variant is present in gnomAD <0.01 (v2: 19 heterozygotes, 0 homozygotes). (SP) 0309 - An alternative amino acid change at the same position has been observed in gnomAD (v2: 1 heterozygote, 0 homozygotes). (I) 0501 - Missense variant consistently predicted to be damaging by multiple in silico tools or highly conserved with a major amino acid change. (SP) 0600 - Variant is located in the annotated collagen IV NC1 domain (PDB). (I) 0705 - No comparable missense variants have previous evidence for pathogenicity. (I) 0808 - Previous reports of pathogenicity for this variant are conflicting. It has been classified as likely pathogenic and a VUS by diagnostic laboratories in ClinVar, likely because it has been reported to be in cis with a known pathogenic variant (p.(Gly774Arg)). However, a single family has been reported with Alports disease, where no other variant was detected (ClinVar; PMID: 28632965, 26934356, 24033287). (I) 0905 - No published segregation evidence has been identified for this variant. (I) 1007 - No published functional evidence has been identified for this variant. (I) 1208 - Inheritance information for this variant is not currently available in this individual. (I) Legend: (SP) - Supporting pathogenic, (I) - Information, (SB) - Supporting benign

Mayo Clinic Laboratories, Mayo Clinic
Classification: Uncertain significance. Last evaluated: 2021-07-27. Review status: criteria provided, single submitter. Criteria: ACMG Guidelines, 2015. Collection method: clinical testing. Allele origin: germline. Observed: 1 variant allele.
Comment: BP2, PP3, PM2_supporting

Centre for Mendelian Genomics, University Medical Centre Ljubljana
Classification: Likely pathogenic for Hearing impairment; Hematuria; Hypertensive disorder; Myopia; Proteinuria. Last evaluated: 2017-01-01. Review status: criteria provided, single submitter. Criteria: ACMG Guidelines, 2015. Collection method: clinical testing. Allele origin: unknown. Affected: yes.

Juno Genomics, Hangzhou Juno Genomics, Inc
Classification: Uncertain significance for Autosomal recessive Alport syndrome; Hematuria, benign familial, 1. Review status: criteria provided, single submitter. Criteria: ACMG Guidelines, 2015. Collection method: clinical testing. Allele origin: germline. Affected: yes.
Comment: Absent from controls (or at extremely low frequency if recessive) in Genome Aggregation Database, Exome Sequencing Project, 1000 Genomes Project, or Exome Aggregation Consortium.;The prevalence of the variant in affected individuals is significantly increased compared to the prevalence in controls.;Multiple lines of computational evidence support a deleterious effect on the gene or gene product (conservation, evolutionary, splicing impact, etc).;Patient's phenotype or family history is highly specific for a disease with a single genetic etiology.

Neuberg Centre For Genomic Medicine, NCGM
Classification: Likely pathogenic for Autosomal recessive Alport syndrome. Review status: criteria provided, single submitter. Criteria: ACMG Guidelines, 2015. Collection method: clinical testing. Allele origin: germline. Inheritance: Autosomal recessive inheritance. Affected: yes.
Comment: The missense variant c.4394G>A(p.Gly1465Asp) in COL4A4 gene has been observed in heterozygous state in individual(s) with clinical features of autosomal dominant Alport syndrome, autosomal recessive Alport syndrome, and basement membrane disease (Kopadze et. al., 2021; Papazachariou et. al., 2017). It has also been observed to segregate with disease in related individuals. This variant is almost always reported in cis with the COL4A4 variant c.2320G>C, p.(Gly774Arg) in individuals and families with both dominant and recessive forms of Alport syndrome (Goka et. al., 2021; Papazachariou et. al., 2017). The p.Gly1465Asp variant is novel (not in any individuals) in 1000 Genomes and has allele frequency of 0.007% in gnomAD exomes database. This variant has been reported to the ClinVar database as Pathogenic / Likely pathogenic / Uncertain Significance. The amino acid change p.Gly1465Asp in COL4A4 is predicted as conserved by GERP++ and PhyloP across 100 vertebrates. The amino acid Gly at position 1465 is changed to a Asp changing protein sequence and it might alter its composition and physico-chemical properties. Functional studies will be required to confirm the pathogenicity of the variant. For these reasons, this variant has been classified as Likely Pathogenic.

Counsyl
Classification: Uncertain significance for Autosomal recessive Alport syndrome. Last evaluated: 2018-04-02. Review status: no assertion criteria provided. Collection method: clinical testing. Allele origin: unknown. Not counted in ClinVar's aggregate classification.

Sydney Genome Diagnostics, Children's Hospital Westmead
Classification: Uncertain significance for Alport syndrome. Last evaluated: 2018-01-09. Review status: no assertion criteria provided. Collection method: clinical testing. Allele origin: unknown. Affected: yes. Observed: 1 variant allele, 1 heterozygote. Not counted in ClinVar's aggregate classification.
Comment: To our knowledge, this variant has not been previously reported in the literature or any disease specific databases. The c.4394G>A variant has been reported in the gnomAD browser with a very low allele frequency of 0.006% (19 out of 275976 alleles). In silico analysis of pathogenicity (through Alamut Visual v2.8.1) using PolyPhen2, SIFT and MutationTaster all suggest that this variant is likely to be pathogenic. This variant is considered to be a variant of uncertain clinical significance (VOUS) according to the ACMG guidelines.

Literature cited by the submitters: PubMed 24033287 (cited by 7 submitters); PubMed 26934356 (cited by 6 submitters); PubMed 28632965 (cited by 8 submitters); PubMed 33048202 (cited by 3 submitters); PubMed 36349757 (cited by Myriad Genetics, Inc.); PubMed 37163122 (cited by Myriad Genetics, Inc.); PubMed 34584596 (cited by 3 submitters); PubMed 33838161 (cited by Women's Health and Genetics/Laboratory Corporation of America, LabCorp and Molecular Genetics, Royal Melbourne Hospital); PubMed 38317457 (cited by Women's Health and Genetics/Laboratory Corporation of America, LabCorp); PubMed 35090027 (cited by Women's Health and Genetics/Laboratory Corporation of America, LabCorp); PubMed 29496980 (cited by Molecular Genetics, Royal Melbourne Hospital); PubMed 12028435 (cited by Victorian Clinical Genetics Services, Murdoch Childrens Research Institute); PubMed 16467446 (cited by Victorian Clinical Genetics Services, Murdoch Childrens Research Institute); PubMed 17942953 (cited by Victorian Clinical Genetics Services, Murdoch Childrens Research Institute); PubMed 24046192 (cited by Victorian Clinical Genetics Services, Murdoch Childrens Research Institute); PubMed 28704582 (cited by Victorian Clinical Genetics Services, Murdoch Childrens Research Institute).